The following is an entry in ClinVar:

NM_000553.6(WRN):c.635A>G (p.Tyr212Cys)

Gene: WRN (WRN RecQ like helicase; plus strand). Cytogenetic location: 8p12.
Variant type: single nucleotide variant.
Coding change: c.635A>G on transcript NM_000553.6 (MANE Select); coding-DNA position 635, A replaced by G.
Protein change: p.Tyr212Cys; replaces tyrosine 212 with cysteine.
Molecular consequence: missense variant.
Genome position (GRCh38, 1-based): chr8:31,067,163, A>G. VCF-style: chr8-31067163-A-G. GRCh37 (hg19) VCF-style: chr8-30924679-A-G.
Other names: short protein forms Y212C.
Identifiers: ClinVar variation 1437868 (VCV001437868.8), dbSNP rs756966886, ClinGen allele CA4704114.
Genomic context (GRCh38, chr8:31,067,163, plus strand): 5'-ACAAGTCTATCCGCTGTAGCAATTGGAGTAAATTTCCTCTCACTGAGGACCAGAAACTGT[A>G]TGCAGCCACTGATGCTTATGTACGTGCTTAAAGATCTTTAGAAATTGTGATGTGTTTTAA-3'
Protein context (NP_000544.2, residues 202-222): KFPLTEDQKL[Tyr212Cys]AATDAYAGFI

ClinVar aggregate classification (germline): Uncertain significance (1 of 4 stars; one submission).

Conditions:
Werner syndrome (WRN). Identifiers: Orphanet 902, MedGen C0043119, MONDO:0010196, OMIM 277700.

Allele frequency attached by ClinVar (database versions not stated): gnomAD 0.00001; ExAC 0.00002; gnomAD exomes 0.00002 and 0.00003.

Submission:

Labcorp Genetics (formerly Invitae), Labcorp
Classification: Uncertain significance for Werner syndrome. Last evaluated: 2025-01-06. Review status: criteria provided, single submitter. Criteria: Invitae Variant Classification Sherloc (09022015). Collection method: clinical testing. Allele origin: germline.
Comment: This sequence change replaces tyrosine, which is neutral and polar, with cysteine, which is neutral and slightly polar, at codon 212 of the WRN protein (p.Tyr212Cys). This variant is present in population databases (rs756966886, gnomAD 0.02%). This variant has not been reported in the literature in individuals affected with WRN-related conditions. ClinVar contains an entry for this variant (Variation ID: 1437868). An algorithm developed to predict the effect of missense changes on protein structure and function (PolyPhen-2) suggests that this variant is likely to be disruptive. In summary, the available evidence is currently insufficient to determine the role of this variant in disease. Therefore, it has been classified as a Variant of Uncertain Significance.